The following is an entry in ClinVar:

ClinVar aggregate classification (germline): Pathogenic. Review status: criteria provided, multiple submitters, no conflicts (2 of 4 stars). 6 submissions from 6 submitters: Pathogenic (6). Last evaluated 2024-01-29.

Conditions:
Charcot-Marie-Tooth disease type 4K. Also called: CHARCOT-MARIE-TOOTH DISEASE, DEMYELINATING, TYPE 4K; CHARCOT-MARIE-TOOTH DISEASE, DEMYELINATING, AUTOSOMAL RECESSIVE, TYPE 4K; CHARCOT-MARIE-TOOTH NEUROPATHY, DEMYELINATING, AUTOSOMAL RECESSIVE, TYPE 4K. Identifiers: Orphanet 391351, MedGen C4225246, MONDO:0014733, OMIM 616684.
Mitochondrial complex IV deficiency, nuclear type 1 (MC4DN1). Also called: COX DEFICIENCY; Mitochondrial complex IV deficiency; Complex 4 mitochondrial respiratory chain deficiency; Deficiency of mitochondrial respiratory chain complex4; Complex IV deficiency. Identifiers: MedGen C5435656, MONDO:0700250, OMIM 220110. Disease mechanism: loss of function.
Leigh syndrome (NULS). Also called: LEIGH SYNDROME, NUCLEAR; Leigh's syndrome; Leigh Syndrome (mtDNA deletion); Subacute necrotizing encephalopathy; Necrotizing encephalopathy infantile subacute of Leigh; Leigh Disease. Identifiers: Orphanet 506, MedGen C2931891, MONDO:0009723, OMIM 256000.

Allele frequency attached by ClinVar (database versions not stated): gnomAD exomes below 0.00001.

Submissions (6):

Women's Health and Genetics/Laboratory Corporation of America, LabCorp
Classification: Pathogenic for Leigh syndrome. Last evaluated: 2024-01-29. Review status: criteria provided, single submitter. Criteria: LabCorp Variant Classification Summary - May 2015. Collection method: clinical testing. Allele origin: germline.
Comment: Variant summary: SURF1 c.367_368delAG (p.Arg123GlyfsX4) results in a premature termination codon, predicted to cause absence of the protein due to nonsense mediated decay, which is a commonly known mechanism for disease. The variant was absent in 251330 control chromosomes. c.367_368delAG has been reported in the literature in at-least two individuals affected with Leigh Syndrome (examples, Ogawa_2017). These data indicate that the variant may be associated with disease. To our knowledge, no experimental evidence demonstrating an impact on protein function has been reported. The following publication have been ascertained in the context of this evaluation (PMID: 28429146). ClinVar contains an entry for this variant (Variation ID: 1182215). Based on the evidence outlined above, the variant was classified as pathogenic.

Labcorp Genetics (formerly Invitae), Labcorp
Classification: Pathogenic for Leigh syndrome. Last evaluated: 2023-07-16. Review status: criteria provided, single submitter. Criteria: Invitae Variant Classification Sherloc (09022015). Collection method: clinical testing. Allele origin: germline.
Comment: For these reasons, this variant has been classified as Pathogenic. ClinVar contains an entry for this variant (Variation ID: 1182215). This sequence change creates a premature translational stop signal (p.Arg123Glyfs*4) in the SURF1 gene. It is expected to result in an absent or disrupted protein product. Loss-of-function variants in SURF1 are known to be pathogenic (PMID: 10443880, 22488715, 24027061). This premature translational stop signal has been observed in individual(s) with Leigh syndrome (PMID: 31967322). This variant is not present in population databases (gnomAD no frequency).

GeneDx
Classification: Pathogenic. Last evaluated: 2023-04-09. Review status: criteria provided, single submitter. Criteria: GeneDx Variant Classification Process June 2021. Collection method: clinical testing. Allele origin: germline. Affected: yes.
Comment: Frameshift variant predicted to result in protein truncation or nonsense mediated decay in a gene for which loss-of-function is a known mechanism of disease.; Not observed at significant frequency in large population cohorts (gnomAD); This variant is associated with the following publications: (PMID: 11955926, 29933018, 35719373, 32901917, 31967322)

3billion
Classification: Pathogenic for Leigh syndrome. Last evaluated: 2021-10-02. Review status: criteria provided, single submitter. Criteria: ACMG Guidelines, 2015. Collection method: clinical testing. Allele origin: maternal. Affected: yes. Observed: 1 heterozygote.
Comment: Frameshift: predicted to result in a loss or disruption of normal protein function through nonsense-mediated decay (NMD) or protein truncation. Multiple pathogenic variants are reported downstream of the variant (PVS1_VS). It is not observed in the gnomAD v2.1.1 dataset (PM2). The variant was observed in trans with a pathogenic variant [NM_003172.3: c.283del (p.Glu95SerfsTer18)] as compound heterozygous (3billion dataset, PM3). Therefore, this variant is classified as pathogenic according to the recommendation of ACMG/AMP guideline.

Fulgent Genetics
Classification: Pathogenic for Mitochondrial complex IV deficiency, nuclear type 1; Charcot-Marie-Tooth disease type 4K. Last evaluated: 2021-09-16. Review status: criteria provided, single submitter. Criteria: ACMG Guidelines, 2015. Collection method: clinical testing. Allele origin: unknown.

Juno Genomics, Hangzhou Juno Genomics, Inc
Classification: Pathogenic for Charcot-Marie-Tooth disease type 4K; Mitochondrial complex IV deficiency, nuclear type 1. Review status: criteria provided, single submitter. Criteria: ACMG Guidelines, 2015. Collection method: clinical testing. Allele origin: germline.
Comment: Absent from controls (or at extremely low frequency if recessive) in Genome Aggregation Database.;Null variant in a gene where loss of function (LOF) is a known mechanism of disease.;For recessive disorders, detected in trans with a pathogenic variant.

Literature cited by the submitters: PubMed 28429146 (cited by Women's Health and Genetics/Laboratory Corporation of America, LabCorp); PubMed 10443880 (cited by Labcorp Genetics (formerly Invitae), Labcorp); PubMed 22488715 (cited by Labcorp Genetics (formerly Invitae), Labcorp); PubMed 24027061 (cited by Labcorp Genetics (formerly Invitae), Labcorp); PubMed 31967322 (cited by Labcorp Genetics (formerly Invitae), Labcorp).

NM_003172.4(SURF1):c.367_368del (p.Arg123fs)

Gene: SURF1 (SURF1 cytochrome c oxidase assembly factor; minus strand). Cytogenetic location: 9q34.2.
Variant type: Deletion.
Coding change: c.367_368del on transcript NM_003172.4 (MANE Select); coding-DNA positions 367 to 368, 2 bases deleted (AG; older notation c.367_368delAG).
Protein change: p.Arg123fs; shifts the reading frame from arginine 123.
Molecular consequence: frameshift variant.
Genome position (GRCh38, 1-based): chr9:133,353,896-133,353,897, CT deleted on the plus strand (AG on the coding strand, the reverse complement: SURF1 is on the minus strand). VCF-style (leftmost placement, unchanged base first): chr9-133353895-CCT-C. GRCh37 (hg19) VCF-style: chr9-136220750-CCT-C.
Other names: c.40_41del, p.Arg14fs (NM_001280787.1); c.367_368delAG (NM_003172.4); c.367_368del (NM_003172.2); short protein forms R123fs, R14fs.
Identifiers: ClinVar variation 1182215 (VCV001182215.11), dbSNP rs2119083553, ClinGen allele CA2499219750.